The following is an entry in ClinVar:

ClinVar aggregate classification (germline): Uncertain significance (1 of 4 stars; one submission).

Conditions:
Epileptic encephalopathy. Identifiers: MedGen C0543888, HP:0200134.

Submission:

Labcorp Genetics (formerly Invitae), Labcorp
Classification: Uncertain significance for Epileptic encephalopathy. Last evaluated: 2017-12-22. Review status: criteria provided, single submitter. Criteria: Invitae Variant Classification Sherloc (09022015). Collection method: clinical testing. Allele origin: germline.
Comment: In summary, the available evidence is currently insufficient to determine the role of this variant in disease. Therefore, it has been classified as a Variant of Uncertain Significance. Algorithms developed to predict the effect of missense changes on protein structure and function output the following: SIFT: "Tolerated"; PolyPhen-2: "Benign"; Align-GVGD: "Class C0". The asparagine amino acid residue is found in multiple mammalian species, suggesting that this missense change does not adversely affect protein function. These predictions have not been confirmed by published functional studies and their clinical significance is uncertain. This variant has not been reported in the literature in individuals with FASN-related disease. This variant is not present in population databases (ExAC no frequency). This sequence change replaces serine with asparagine at codon 2326 of the FASN protein (p.Ser2326Asn). The serine residue is weakly conserved and there is a small physicochemical difference between serine and asparagine.

NM_004104.5(FASN):c.6977G>A (p.Ser2326Asn)

Gene: FASN (fatty acid synthase; minus strand). Cytogenetic location: 17q25.3.
Variant type: single nucleotide variant.
Coding change: c.6977G>A on transcript NM_004104.5 (MANE Select); coding-DNA position 6977, G replaced by A.
Protein change: p.Ser2326Asn; replaces serine 2326 with asparagine.
Molecular consequence: missense variant.
Genome position (GRCh38, 1-based): chr17:82,080,440, C>T on the plus strand (G>A on the coding strand, the complement: FASN is on the minus strand). VCF-style: chr17-82080440-C-T. GRCh37 (hg19) VCF-style: chr17-80038316-C-T.
Other names: short protein forms S2326N.
Identifiers: ClinVar variation 531052 (VCV000531052.8), dbSNP rs1555665608, ClinGen allele CA401598015.